The following is an entry in ClinVar:

ClinVar aggregate classification (germline): Uncertain significance (1 of 4 stars; one submission).

Conditions:
Bloom syndrome (BLM). Also called: Bloom-Torre-Machacek syndrome. Identifiers: Orphanet 125, MedGen C0005859, MONDO:0008876, OMIM 210900.

Submission:

Labcorp Genetics (formerly Invitae), Labcorp
Classification: Uncertain significance for Bloom syndrome. Last evaluated: 2024-09-14. Review status: criteria provided, single submitter. Criteria: Invitae Variant Classification Sherloc (09022015). Collection method: clinical testing. Allele origin: germline.
Comment: This sequence change replaces glycine, which is neutral and non-polar, with arginine, which is basic and polar, at codon 103 of the BLM protein (p.Gly103Arg). This variant is not present in population databases (gnomAD no frequency). This variant has not been reported in the literature in individuals affected with BLM-related conditions. An algorithm developed to predict the effect of missense changes on protein structure and function (PolyPhen-2) suggests that this variant is likely to be tolerated. In summary, the available evidence is currently insufficient to determine the role of this variant in disease. Therefore, it has been classified as a Variant of Uncertain Significance.

NM_000057.4(BLM):c.307G>A (p.Gly103Arg)

Gene: BLM (BLM RecQ like helicase; plus strand). Cytogenetic location: 15q26.1.
Variant type: single nucleotide variant.
Coding change: c.307G>A on transcript NM_000057.4 (MANE Select); coding-DNA position 307, G replaced by A.
Protein change: p.Gly103Arg; replaces glycine 103 with arginine.
Molecular consequence: missense variant. On other transcripts: 5 prime UTR variant (1).
Genome position (GRCh38, 1-based): chr15:90,749,575, G>A. VCF-style: chr15-90749575-G-A. GRCh37 (hg19) VCF-style: chr15-91292805-G-A.
Other names: c.307G>A, p.Gly103Arg (NM_001287246.2, NM_001287247.2); c.-985G>A (NM_001287248.2); short protein forms G103R.
Identifiers: ClinVar variation 3716969 (VCV003716969.2).
Genomic context (GRCh38, chr15:90,749,575, plus strand): 5'-CAGCAAAGGGTCAAGGACTTCTTTAAAAATGCTCCAGCAGGACAGGAAACACAGAGAGGT[G>A]GATCAAAATCATTATTGCCAGATTTCTTGCAGACTCCGAAGGAAGTTGTATGCACTACCC-3'
Protein context (NP_000048.1, residues 93-113): APAGQETQRG[Gly103Arg]SKSLLPDFLQ